The following is an entry in ClinVar:

ClinVar aggregate classification (germline): Uncertain significance. Review status: criteria provided, multiple submitters, no conflicts (2 of 4 stars). 3 submissions from 3 submitters: Uncertain significance (3). Last evaluated 2026-01-05.

Conditions:
LRP5-related disorder. Also called: LRP5-related condition.
Osteoporosis with pseudoglioma (OPPG). Also called: osteoporosis-pseudoglioma syndrome. Identifiers: Orphanet 2788, MedGen C0432252, MONDO:0009820, OMIM 259770.
Exudative vitreoretinopathy 1 (EVR1). Also called: CRISWICK-SCHEPENS SYNDROME; FEVR, AUTOSOMAL DOMINANT; Familial exudative vitreoretinopathy, autosomal dominant. Identifiers: Orphanet 891, Orphanet 90050, MedGen C1851402, MONDO:0007589, OMIM 133780.
Polycystic liver disease 4 with or without kidney cysts. Identifiers: MedGen C4693479, MONDO:0044327, OMIM 617875.
Autosomal dominant osteopetrosis 1 (OPTA1). Also called: OSTEOPETROSIS, AUTOSOMAL DOMINANT, TYPE I. Identifiers: Orphanet 2783, MedGen C1843330, MONDO:0011877, OMIM 607634.
Exudative vitreoretinopathy 4 (EVR4). Identifiers: Orphanet 891, MedGen C1866176, MONDO:0011151, OMIM 601813.
Worth disease. Also called: Autosomal dominant osteosclerosis, Worth type; ENDOSTEAL HYPEROSTOSIS, AUTOSOMAL DOMINANT; OSTEOSCLEROSIS, AUTOSOMAL DOMINANT. Identifiers: Orphanet 2790, MedGen C0432273, MONDO:0007764, OMIM 144750.
Bone mineral density quantitative trait locus 1 (BMND1). Identifiers: MedGen C1866079, OMIM 601884.
Osteoporosis. Identifiers: MedGen C0029456, MONDO:0005298, OMIM 166710, HP:0000939.

Allele frequency attached by ClinVar (database versions not stated): gnomAD 0.00001 and 0.00002; gnomAD exomes 0.00001 and 0.00002; TOPMed 0.00001; 1000 Genomes Project 30x 0.00016; 1000 Genomes Project 0.00020.

Submissions (3):

Labcorp Genetics (formerly Invitae), Labcorp
Classification: Uncertain significance. Last evaluated: 2026-01-05. Review status: criteria provided, single submitter. Criteria: Invitae Variant Classification Sherloc (09022015). Collection method: clinical testing. Allele origin: germline.
Comment: This sequence change replaces valine, which is neutral and non-polar, with isoleucine, which is neutral and non-polar, at codon 674 of the LRP5 protein (p.Val674Ile). This variant is present in population databases (rs543279405, gnomAD 0.01%). This variant has not been reported in the literature in individuals affected with LRP5-related conditions. ClinVar contains an entry for this variant (Variation ID: 1008757). Invitae Evidence Modeling of protein sequence and biophysical properties (such as structural, functional, and spatial information, amino acid conservation, physicochemical variation, residue mobility, and thermodynamic stability) indicates that this missense variant is not expected to disrupt LRP5 protein function with a negative predictive value of 95%. In summary, the available evidence is currently insufficient to determine the role of this variant in disease. Therefore, it has been classified as a Variant of Uncertain Significance.

PreventionGenetics, part of Exact Sciences
Classification: Uncertain significance for LRP5-related condition. Last evaluated: 2025-01-07. Review status: criteria provided, single submitter. Criteria: ACMG Guidelines, 2015. Collection method: clinical testing. Allele origin: germline.
Comment: The LRP5 c.2020G>A variant is predicted to result in the amino acid substitution p.Val674Ile. To our knowledge, this variant has not been reported in the literature. This variant is reported in 0.0098% of alleles in individuals of South Asian descent in gnomAD. At this time, the clinical significance of this variant is uncertain due to the absence of conclusive functional and genetic evidence.

Fulgent Genetics
Classification: Uncertain significance for Exudative vitreoretinopathy 1; Worth disease; Osteoporosis; Osteoporosis with pseudoglioma; Exudative vitreoretinopathy 4; Bone mineral density quantitative trait locus 1; Autosomal dominant osteopetrosis 1; Polycystic liver disease 4 with or without kidney cysts. Last evaluated: 2022-05-03. Review status: criteria provided, single submitter. Criteria: ACMG Guidelines, 2015. Collection method: clinical testing. Allele origin: unknown.

NM_002335.4(LRP5):c.2020G>A (p.Val674Ile)

Gene: LRP5 (LDL receptor related protein 5; plus strand). Cytogenetic location: 11q13.2.
Variant type: single nucleotide variant.
Coding change: c.2020G>A on transcript NM_002335.4 (MANE Select); coding-DNA position 2020, G replaced by A.
Protein change: p.Val674Ile; replaces valine 674 with isoleucine.
Molecular consequence: missense variant.
Genome position (GRCh38, 1-based): chr11:68,406,742, G>A. VCF-style: chr11-68406742-G-A. GRCh37 (hg19) VCF-style: chr11-68174210-G-A.
Other names: c.277G>A, p.Val93Ile (NM_001291902.2); c.2020G>A (NM_002335.3); short protein forms V674I, V93I.
Identifiers: ClinVar variation 1008757 (VCV001008757.11), dbSNP rs543279405, ClinGen allele CA224268405.